The following is an entry in ClinVar:

NM_000836.4(GRIN2D):c.3035_3036delinsTT (p.Arg1012Leu)

Gene: GRIN2D (glutamate ionotropic receptor NMDA type subunit 2D; plus strand). Cytogenetic location: 19q13.33.
Variant type: Indel.
Coding change: c.3035_3036delinsTT on transcript NM_000836.4 (MANE Select); coding-DNA positions 3035 to 3036, GC replaced by TT.
Protein change: p.Arg1012Leu; replaces arginine 1012 with leucine.
Molecular consequence: missense variant.
Genome position (GRCh38, 1-based): chr19:48,442,961-48,442,962, GC replaced by TT. VCF-style: chr19-48442961-GC-TT. GRCh37 (hg19) VCF-style: chr19-48946218-GC-TT.
Other names: short protein forms R1012L.
Identifiers: ClinVar variation 3343894 (VCV003343894.1).

ClinVar aggregate classification (germline): Uncertain significance (1 of 4 stars; one submission).

Submission:

GeneDx
Classification: Uncertain significance. Last evaluated: 2024-03-13. Review status: criteria provided, single submitter. Criteria: GeneDx Variant Classification Process June 2021. Collection method: clinical testing. Allele origin: germline. Affected: yes.
Comment: Not observed at significant frequency in large population cohorts (gnomAD); In silico analysis supports that this variant does not alter protein structure/function; Has not been previously published as pathogenic or benign to our knowledge